The following is an entry in ClinVar:

ClinVar aggregate classification (germline): Uncertain significance. Review status: criteria provided, multiple submitters, no conflicts (2 of 4 stars). 2 submissions from 2 submitters: Uncertain significance (2). Last evaluated 2025-09-24.

Conditions:
Developmental and epileptic encephalopathy 98. Identifiers: MedGen C5562017, MONDO:0030472, OMIM 619605.

Submissions (2):

3billion
Classification: Uncertain significance for Developmental and epileptic encephalopathy 98. Last evaluated: 2025-09-24. Review status: criteria provided, single submitter. Criteria: ACMG Guidelines, 2015. Collection method: clinical testing. Allele origin: germline. Affected: yes.
Comment: The variant is not observed in the gnomAD v4.1.0 dataset. Predicted Consequence/Location: Missense variant In silico tool predictions suggest damaging effect of the variant on gene or gene product [REVEL: 0.80 (>=0.6, sensitivity 0.68 and specificity 0.92); 3Cnet: 0.98 (> 0.75, sensitivity 0.96 and precision 0.92)]. The variant has been reported as of uncertain significance (PMID: 38250573). Different missense changes at the same codon have been reported as of uncertain significance (ClinVar ID: VCV001508258). Therefore, this variant is classified as VUS according to the recommendation of ACMG/AMP guideline.

Blueprint Genetics
Classification: Uncertain significance. Last evaluated: 2022-12-12. Review status: criteria provided, single submitter. Criteria: ACMG Guidelines, 2015. Collection method: clinical testing. Allele origin: germline.

NM_000702.4(ATP1A2):c.994G>C (p.Glu332Gln)

Gene: ATP1A2 (ATPase Na+/K+ transporting subunit alpha 2; plus strand). Cytogenetic location: 1q23.2.
Variant type: single nucleotide variant.
Coding change: c.994G>C on transcript NM_000702.4 (MANE Select); coding-DNA position 994, G replaced by C.
Protein change: p.Glu332Gln; replaces glutamic acid 332 with glutamine.
Molecular consequence: missense variant.
Genome position (GRCh38, 1-based): chr1:160,127,797, G>C. VCF-style: chr1-160127797-G-C. GRCh37 (hg19) VCF-style: chr1-160097587-G-C.
Other names: short protein forms E332Q.
Identifiers: ClinVar variation 4855980 (VCV004855980.2).